The following is an entry in ClinVar:

ClinVar aggregate classification (germline): Uncertain significance (1 of 4 stars; one submission).

Submission:

GeneDx
Classification: Uncertain significance. Last evaluated: 2023-11-18. Review status: criteria provided, single submitter. Criteria: GeneDx Variant Classification Process June 2021. Collection method: clinical testing. Allele origin: germline. Affected: yes.
Comment: Not observed at significant frequency in large population cohorts (gnomAD); In silico analysis supports that this missense variant does not alter protein structure/function; Has not been previously published as pathogenic or benign to our knowledge

NM_152424.4(AMER1):c.2234A>C (p.Tyr745Ser)

Gene: AMER1 (APC membrane recruitment protein 1; minus strand). Cytogenetic location: Xq11.2.
Variant type: single nucleotide variant.
Coding change: c.2234A>C on transcript NM_152424.4 (MANE Select); coding-DNA position 2234, A replaced by C.
Protein change: p.Tyr745Ser; replaces tyrosine 745 with serine.
Molecular consequence: missense variant.
Genome position (GRCh38, 1-based): chrX:64,191,053, T>G on the plus strand (A>C on the coding strand, the complement: AMER1 is on the minus strand). VCF-style: chrX-64191053-T-G. GRCh37 (hg19) VCF-style: chrX-63410933-T-G.
Other names: short protein forms Y745S.
Identifiers: ClinVar variation 3364232 (VCV003364232.1).